The following is an entry in ClinVar:

ClinVar aggregate classification (germline): Uncertain significance. Review status: criteria provided, multiple submitters, no conflicts (2 of 4 stars). 4 submissions from 4 submitters: Uncertain significance (3). 1 of the submissions does not count toward it. Last evaluated 2025-04-23.

Conditions:
LTBP3-related disorder. Also called: LTBP3-related condition.
Brachyolmia-amelogenesis imperfecta syndrome. Also called: Dental anomalies and short stature; PLATYSPONDYLY WITH AMELOGENESIS IMPERFECTA; Tooth agenesis, selective, 6. Identifiers: Orphanet 2899, MedGen C1832594, MONDO:0011018, OMIM 601216. Disease mechanism: loss of function.
Inborn genetic diseases. Identifiers: MedGen C0950123, MeSH D030342.

Submissions (4):

Labcorp Genetics (formerly Invitae), Labcorp
Classification: Uncertain significance for Brachyolmia-amelogenesis imperfecta syndrome. Last evaluated: 2025-04-23. Review status: criteria provided, single submitter. Criteria: Invitae Variant Classification Sherloc (09022015). Collection method: clinical testing. Allele origin: germline.
Comment: This sequence change replaces glycine, which is neutral and non-polar, with glutamic acid, which is acidic and polar, at codon 43 of the LTBP3 protein (p.Gly43Glu). This variant is present in population databases (no rsID available, gnomAD 0.004%). This variant has not been reported in the literature in individuals affected with LTBP3-related conditions. ClinVar contains an entry for this variant (Variation ID: 1403551). Experimental studies and prediction algorithms are not available or were not evaluated, and the functional significance of this variant is currently unknown. In summary, the available evidence is currently insufficient to determine the role of this variant in disease. Therefore, it has been classified as a Variant of Uncertain Significance.

Ambry Genetics
Classification: Uncertain significance for Inborn genetic diseases. Last evaluated: 2024-11-24. Review status: criteria provided, single submitter. Criteria: Ambry Variant Classification Scheme 2023. Collection method: clinical testing. Allele origin: germline.

Blueprint Genetics
Classification: Uncertain significance. Last evaluated: 2024-06-05. Review status: criteria provided, single submitter. Criteria: ACMG Guidelines, 2015. Collection method: clinical testing. Allele origin: germline.

PreventionGenetics, part of Exact Sciences
Classification: Uncertain significance for LTBP3-related condition. Last evaluated: 2024-01-18. Review status: no assertion criteria provided. Collection method: clinical testing. Allele origin: germline. Not counted in ClinVar's aggregate classification.
Comment: The LTBP3 c.128G>A variant is predicted to result in the amino acid substitution p.Gly43Glu. To our knowledge, this variant has not been reported in the literature. This variant is reported in 0.0037% of alleles in individuals of European (Non-Finnish) descent in gnomAD. At this time, the clinical significance of this variant is uncertain due to the absence of conclusive functional and genetic evidence.

NM_001130144.3(LTBP3):c.128G>A (p.Gly43Glu)

Gene: LTBP3 (latent transforming growth factor beta binding protein 3; minus strand). Cytogenetic location: 11q13.1.
Variant type: single nucleotide variant.
Coding change: c.128G>A on transcript NM_001130144.3 (MANE Select); coding-DNA position 128, G replaced by A.
Protein change: p.Gly43Glu; replaces glycine 43 with glutamic acid.
Molecular consequence: missense variant. On other transcripts: 5 prime UTR variant (1).
Genome position (GRCh38, 1-based): chr11:65,557,832, C>T on the plus strand (G>A on the coding strand, the complement: LTBP3 is on the minus strand). VCF-style: chr11-65557832-C-T. GRCh37 (hg19) VCF-style: chr11-65325303-C-T.
Other names: c.128G>A (NM_001130144.2); c.-220G>A (NM_001164266.1); c.128G>A, p.Gly43Glu (NM_021070.4); short protein forms G43E.
Identifiers: ClinVar variation 1403551 (VCV001403551.10), dbSNP rs759902304, ClinGen allele CA381278521.
Genomic context (GRCh38, chr11:65,557,832, plus strand): 5'-TTGAAGCGCTCGCGGGCCAGCGCCCCGCCCCCGCCTGCGCCCCGCTCGCCGGCCGGCCCC[C>T]CCTCGACCCTGCCGCCCAGGCCCAGCAGCAGCAGCAGCAGCAGCAGCAGCAGCGCCAGCA-3'
Protein context (NP_001123616.1, residues 33-53): LLLGLGGRVE[Gly43Glu]GPAGERGAGG